The following is an entry in ClinVar:

NM_002474.3(MYH11):c.5212A>T (p.Ile1738Phe)

Genes: MYH11 (myosin heavy chain 11; minus strand), NDE1 (nudE neurodevelopment protein 1; plus strand). Cytogenetic location: 16p13.11.
Variant type: single nucleotide variant.
Coding change: c.5212A>T on transcript NM_002474.3 (MANE Select); coding-DNA position 5212, A replaced by T.
Protein change: p.Ile1738Phe; replaces isoleucine 1738 with phenylalanine.
Molecular consequence: missense variant. On other transcripts: intron variant (2).
Genome position (GRCh38, 1-based): chr16:15,718,398, T>A on the plus strand (A>T on the coding strand, the complement: MYH11 is on the minus strand). VCF-style: chr16-15718398-T-A. GRCh37 (hg19) VCF-style: chr16-15812255-T-A.
Other names: c.5233A>T, p.Ile1745Phe (NM_001040113.2, NM_001040114.2); c.5212A>T, p.Ile1738Phe (NM_022844.3); c.948-5793T>A (NM_001143979.2, NM_017668.3); c.5212A>T (NM_002474.2); short protein forms I1738F, I1745F.
Identifiers: ClinVar variation 3354849 (VCV003354849.3).

ClinVar aggregate classification (germline): Uncertain significance. Review status: criteria provided, multiple submitters, no conflicts (2 of 4 stars). 3 submissions from 3 submitters: Uncertain significance (2). 1 of the submissions does not count toward it. Last evaluated 2026-07-01.

Conditions:
Familial thoracic aortic aneurysm and aortic dissection (TAAD). Also called: Thoracic aortic aneurysms and dissections. Identifiers: Orphanet 91387, MedGen C4707243, MONDO:0019625.
MYH11-related disorder. Also called: MYH11-related condition.

gnomAD v4.1: 1 of 1,597,684 alleles (0.000063%); highest among the groups gnomAD compares: Admixed American, 0.0017%; no homozygotes.

Submissions (3):

Ambry Genetics
Classification: Uncertain significance for Familial thoracic aortic aneurysm and aortic dissection. Last evaluated: 2026-07-01. Review status: criteria provided, single submitter. Criteria: Ambry Variant Classification Scheme 2023. Collection method: clinical testing. Allele origin: germline.
Comment: The p.I1738F variant (also known as c.5212A>T), located in coding exon 36 of the MYH11 gene, results from an A to T substitution at nucleotide position 5212. The isoleucine at codon 1738 is replaced by phenylalanine, an amino acid with highly similar properties. This amino acid position is conserved. In addition, this alteration is predicted to be deleterious by in silico analysis. Based on the available evidence, the clinical significance of this variant remains unclear.

GeneDx
Classification: Uncertain significance. Last evaluated: 2025-02-18. Review status: criteria provided, single submitter. Criteria: GeneDx Variant Classification Process June 2021. Collection method: clinical testing. Allele origin: germline. Affected: yes.
Comment: Not observed at significant frequency in large population cohorts (gnomAD); In silico analysis supports that this missense variant has a deleterious effect on protein structure/function; Has not been previously published as pathogenic or benign to our knowledge

PreventionGenetics, part of Exact Sciences
Classification: Uncertain significance for MYH11-related condition. Last evaluated: 2024-06-04. Review status: no assertion criteria provided. Collection method: clinical testing. Allele origin: germline. Not counted in ClinVar's aggregate classification.
Comment: The MYH11 c.5233A>T variant is predicted to result in the amino acid substitution p.Ile1745Phe. To our knowledge, this variant has not been reported in the literature. This variant is reported in 0.0030% of alleles in individuals of Latino descent in gnomAD. At this time, the clinical significance of this variant is uncertain due to the absence of conclusive functional and genetic evidence.